The following is an entry in ClinVar:

ClinVar aggregate classification (germline): Likely pathogenic. Review status: criteria provided, multiple submitters, no conflicts (2 of 4 stars). 2 submissions from 2 submitters: Likely pathogenic (2). Last evaluated 2026-04-24.

Conditions:
Mucopolysaccharidosis, MPS-II (MPS2). Also called: IDS deficiency; Sulfoiduronate sulfatase deficiency; SIDS deficiency; Mucopolysaccharidosis type 2; Mucopolysaccharidosis with skin involvement; Attenuated MPS (subtype; formerly known as mild MPS II). Identifiers: Orphanet 580, Orphanet 79388, MedGen C0026705, MONDO:0010674, OMIM 309900.

Submissions (2):

Myriad Genetics, Inc.
Classification: Likely pathogenic for Mucopolysaccharidosis, MPS-II. Last evaluated: 2026-04-24. Review status: criteria provided, single submitter. Criteria: Myriad Autosomal Dominant, Autosomal Recessive and X-Linked Classification Criteria (2023). Collection method: clinical testing. Allele origin: unknown.
Comment: NM_000202.5(IDS):c.1608T>A(Y536*) is a nonsense variant classified as likely pathogenic in the context of mucopolysaccharidosis type II. Y536* has been observed in cases with relevant disease (PMID: 24125893, 33676511). Relevant functional assessments of this variant are not available in the literature. Y536* has not been observed in referenced population frequency databases. In summary, NM_000202.5(IDS):c.1608T>A(Y536*) is a nonsense variant that has been observed more frequently in cases with the relevant disease than in healthy populations. Please note: this variant was assessed in the context of healthy population screening.

Laboratory of Diagnosis and Therapy of Lysosomal Disorders, University of Padova
Classification: Likely pathogenic for Mucopolysaccharidosis, MPS-II. Last evaluated: 2024-06-07. Review status: criteria provided, single submitter. Criteria: ACMG Guidelines, 2015. Collection method: literature only. Allele origin: germline. Affected: yes. Observed: 3 variant alleles.
Comment: Null variant (PVS1_Strong), Absent from controls (or at low frequency) in gnomAD database (PM2_Moderate), Patient’s phenotype or family history highly specific for the disease (PP4_Moderate)

Classification method: ACMG Guidelines [PMID:25741868] with modifications

Literature cited by the submitters: PubMed 24125893 (cited by Myriad Genetics, Inc. and Laboratory of Diagnosis and Therapy of Lysosomal Disorders, University of Padova); PubMed 33676511 (cited by Myriad Genetics, Inc. and Laboratory of Diagnosis and Therapy of Lysosomal Disorders, University of Padova); PubMed 35144014 (cited by Laboratory of Diagnosis and Therapy of Lysosomal Disorders, University of Padova).

NM_000202.8(IDS):c.1608T>A (p.Tyr536Ter)

Gene: IDS (iduronate 2-sulfatase; minus strand). Cytogenetic location: Xq28.
Variant type: single nucleotide variant.
Coding change: c.1608T>A on transcript NM_000202.8 (MANE Select); coding-DNA position 1608, T replaced by A.
Protein change: p.Tyr536Ter; replaces tyrosine 536 with a stop codon.
Molecular consequence: nonsense.
Genome position (GRCh38, 1-based): chrX:149,482,791, A>T on the plus strand (T>A on the coding strand, the complement: IDS is on the minus strand). VCF-style: chrX-149482791-A-T. GRCh37 (hg19) VCF-style: chrX-148564322-A-T.
Other names: c.1338T>A, p.Tyr446Ter (NM_001166550.4); short protein forms Y446*, Y536*.
Identifiers: ClinVar variation 3256094 (VCV003256094.3).